The following is an entry in ClinVar:

NM_001330260.2(SCN8A):c.3914G>C (p.Arg1305Thr)

Gene: SCN8A (sodium voltage-gated channel alpha subunit 8; plus strand). Cytogenetic location: 12q13.13.
Variant type: single nucleotide variant.
Coding change: c.3914G>C on transcript NM_001330260.2 (MANE Select); coding-DNA position 3914, G replaced by C.
Protein change: p.Arg1305Thr; replaces arginine 1305 with threonine.
Molecular consequence: missense variant. On other transcripts: intron variant (2).
Genome position (GRCh38, 1-based): chr12:51,780,743, G>C. VCF-style: chr12-51780743-G-C. GRCh37 (hg19) VCF-style: chr12-52174527-G-C.
Other names: c.3914G>C, p.Arg1305Thr (NM_014191.4); c.3820-5799G>C (NM_001177984.3, NM_001369788.1); short protein forms R1305T.
Identifiers: ClinVar variation 1254380 (VCV001254380.2), dbSNP rs61618583, ClinGen allele CA384901498.

ClinVar aggregate classification (germline): Pathogenic (1 of 4 stars; one submission).

Submission:

GeneDx
Classification: Pathogenic. Last evaluated: 2021-09-03. Review status: criteria provided, single submitter. Criteria: GeneDx Variant Classification Process June 2021. Collection method: clinical testing. Allele origin: germline. Affected: yes.
Comment: Not observed in large population cohorts (Lek et al., 2016); Missense variants in this gene are often considered pathogenic (Stenson et al., 2014); In silico analysis supports that this missense variant has a deleterious effect on protein structure/function; Has not been previously published as pathogenic or benign to our knowledge